The following is an entry in ClinVar:

ClinVar aggregate classification (germline): Pathogenic/Likely pathogenic. Review status: criteria provided, multiple submitters, no conflicts (2 of 4 stars). 2 submissions from 2 submitters: Pathogenic (1); Likely pathogenic (1). Last evaluated 2023-05-25.

Conditions:
Congenital myasthenic syndrome 5. Identifiers: Orphanet 590, MedGen C1864233, MONDO:0011281, OMIM 603034.

Submissions (2):

Baylor Genetics
Classification: Likely pathogenic for Congenital myasthenic syndrome 5. Last evaluated: 2023-05-25. Review status: criteria provided, single submitter. Criteria: ACMG Guidelines, 2015. Collection method: clinical testing. Allele origin: unknown.

Labcorp Genetics (formerly Invitae), Labcorp
Classification: Pathogenic for Congenital myasthenic syndrome 5. Last evaluated: 2017-07-12. Review status: criteria provided, single submitter. Criteria: Invitae Variant Classification Sherloc (09022015). Collection method: clinical testing. Allele origin: germline.
Comment: For these reasons, this variant has been classified as Pathogenic. Loss-of-function variants in COLQ are known to be pathogenic (PMID: 22678886). This variant has not been reported in the literature in individuals with COLQ-related disease. This variant is not present in population databases (ExAC no frequency). This sequence change creates a premature translational stop signal (p.His409Profs*4) in the COLQ gene. It is expected to result in an absent or disrupted protein product.

Literature cited by the submitters: PubMed 22678886 (cited by Labcorp Genetics (formerly Invitae), Labcorp).

NM_005677.4(COLQ):c.1225dup (p.His409fs)

Gene: COLQ (collagen like tail subunit of asymmetric acetylcholinesterase; minus strand). Cytogenetic location: 3p25.1.
Variant type: Duplication.
Coding change: c.1225dup on transcript NM_005677.4 (MANE Select); coding-DNA position 1225, one base duplicated (C; older notation c.1225dupC).
Protein change: p.His409fs; shifts the reading frame from histidine 409.
Molecular consequence: frameshift variant.
Genome position (GRCh38, 1-based): chr3:15,453,902, G duplicated on the plus strand (C on the coding strand, the reverse complement: COLQ is on the minus strand). VCF-style (leftmost placement, unchanged base first): chr3-15453901-T-TG. GRCh37 (hg19) VCF-style: chr3-15495408-T-TG.
Other names: c.1225dupC (NM_005677.3); c.1195dup, p.His399fs (NM_080538.2); c.1123dup, p.His375fs (NM_080539.4); short protein forms H375fs, H399fs, H409fs.
Identifiers: ClinVar variation 568622 (VCV000568622.7), dbSNP rs1559510978, ClinGen allele CA891843053.